The following is an entry in ClinVar:

ClinVar aggregate classification (germline): Uncertain significance (1 of 4 stars; one submission).

Conditions:
Renal cell carcinoma. Identifiers: Orphanet 217071, MedGen C0007134, MeSH D002292, MONDO:0005086, HP:0005584.

Submission:

Labcorp Genetics (formerly Invitae), Labcorp
Classification: Uncertain significance for Renal cell carcinoma. Last evaluated: 2019-08-18. Review status: criteria provided, single submitter. Criteria: Invitae Variant Classification Sherloc (09022015). Collection method: clinical testing. Allele origin: germline.
Comment: In summary, the available evidence is currently insufficient to determine the role of this variant in disease. Therefore, it has been classified as a Variant of Uncertain Significance. Algorithms developed to predict the effect of missense changes on protein structure and function (SIFT, PolyPhen-2, Align-GVGD) all suggest that this variant is likely to be tolerated, but these predictions have not been confirmed by published functional studies and their clinical significance is uncertain. This variant has not been reported in the literature in individuals with MET-related conditions. This variant is not present in population databases (ExAC no frequency). This sequence change replaces glutamic acid with lysine at codon 410 of the MET protein (p.Glu410Lys). The glutamic acid residue is moderately conserved and there is a small physicochemical difference between glutamic acid and lysine.

NM_000245.4(MET):c.1228G>A (p.Glu410Lys)

Gene: MET (MET proto-oncogene, receptor tyrosine kinase; plus strand). Cytogenetic location: 7q31.2.
Variant type: single nucleotide variant.
Coding change: c.1228G>A on transcript NM_000245.4 (MANE Select); coding-DNA position 1228, G replaced by A.
Protein change: p.Glu410Lys; replaces glutamic acid 410 with lysine.
Molecular consequence: missense variant. On other transcripts: 5 prime UTR variant (1).
Genome position (GRCh38, 1-based): chr7:116,731,695, G>A. VCF-style: chr7-116731695-G-A. GRCh37 (hg19) VCF-style: chr7-116371749-G-A.
Other names: c.1228G>A, p.Glu410Lys (NM_001127500.3, NM_001324401.3); c.-63G>A (NM_001324402.2); short protein forms E410K.
Identifiers: ClinVar variation 945354 (VCV000945354.9), dbSNP rs1793009396, ClinGen allele CA368972728.